The following is an entry in ClinVar:

ClinVar aggregate classification (germline): Uncertain significance. Review status: criteria provided, multiple submitters, no conflicts (2 of 4 stars). 2 submissions from 2 submitters: Uncertain significance (2). Last evaluated 2026-03-19.

Conditions:
Inborn genetic diseases. Identifiers: MedGen C0950123, MeSH D030342.

Allele frequency attached by ClinVar (database versions not stated): ESP Exome Variant Server 0.00010; TOPMed below 0.00001; gnomAD 0.00001.
gnomAD v4.1: 1 of 1,613,440 alleles (0.000062%); highest among the groups gnomAD compares: Non-Finnish European, 0.000085%; no homozygotes.

Submissions (2):

Ambry Genetics
Classification: Uncertain significance for Inborn genetic diseases. Last evaluated: 2026-03-19. Review status: criteria provided, single submitter. Criteria: Ambry Variant Classification Scheme 2023. Collection method: clinical testing. Allele origin: germline.

GeneDx
Classification: Uncertain significance. Last evaluated: 2017-08-03. Review status: criteria provided, single submitter. Criteria: GeneDx Variant Classification (06012015). Collection method: clinical testing. Allele origin: germline. Affected: yes.
Comment: The A10T variant has not been published as a pathogenic variant, nor has it been reported as a benign variant to our knowledge. The A10T variant is not observed in large population cohorts (Lek et al., 2016; 1000 Genomes Consortium et al., 2015; Exome Variant Server). The A10T variant is a non-conservative amino acid substitution, which is likely to impact secondary protein structure as these residues differ in polarity, charge, size and/or other properties. This substitution occurs at a position that is conserved across species. In silico analysis is inconsistent in its predictions as to whether or not the variant is damaging to the protein structure/function. Therefore, based on the currently available information, it is unclear whether this variant is a pathogenic variant or a rare benign variant.

NM_001370100.5(ZMYND11):c.28G>A (p.Ala10Thr)

Gene: ZMYND11 (zinc finger MYND-type containing 11; plus strand). Cytogenetic location: 10p15.3.
Variant type: single nucleotide variant.
Coding change: c.28G>A on transcript NM_001370100.5 (MANE Select); coding-DNA position 28, G replaced by A.
Protein change: p.Ala10Thr; replaces alanine 10 with threonine.
Molecular consequence: missense variant. On other transcripts: 5 prime UTR variant (3), non-coding transcript variant (1), intron variant (5).
Genome position (GRCh38, 1-based): chr10:180,040, G>A. VCF-style: chr10-180040-G-A. GRCh37 (hg19) VCF-style: chr10-225980-G-A.
Other names: c.28G>A, p.Ala10Thr (NM_001370101.2, NM_001370102.2, NM_001370103.2 and 24 more transcripts); c.-119G>A (NM_001330057.3, NM_001370112.2, NM_001370123.2); c.-4-29849G>A (NM_001370118.2, NM_001370121.2); c.51-29849G>A (NM_001370116.2, NM_001370120.2); c.-34+45148G>A (NM_001370124.3); short protein forms A10T.
Identifiers: ClinVar variation 450833 (VCV000450833.3), dbSNP rs374390518, ClinGen allele CA201256517.